The following is an entry in ClinVar:

NM_001370658.1(BTD):c.-18A>T

Gene: BTD (biotinidase; plus strand). Cytogenetic location: 3p25.1.
Variant type: single nucleotide variant.
Coding change: c.-18A>T on transcript NM_001370658.1 (MANE Select); 18 bases upstream of the start codon, A replaced by T.
Molecular consequence: 5 prime UTR variant. On other transcripts: nonsense (1), non-coding transcript variant (1), intron variant (4).
Genome position (GRCh38, 1-based): chr3:15,601,893, A>T. VCF-style: chr3-15601893-A-T. GRCh37 (hg19) VCF-style: chr3-15643400-A-T.
Other names: c.43A>T, p.Arg15Ter (NM_000060.4); c.-206A>T (NM_001281724.3); c.-18A>T (NM_001281726.3, NM_001370752.1, NM_001370753.1 and 3 more transcripts); c.-294A>T (NM_001323582.2, NM_001407384.1); c.-583A>T (NM_001407366.1); c.-569A>T (NM_001407369.1); c.-175A>T (NM_001407372.1); c.-137A>T (NM_001407373.1); and 7 more.
Identifiers: ClinVar variation 371272 (VCV000371272.7), dbSNP rs143058480, ClinGen allele CA16040904.
Genomic context (GRCh38, chr3:15,601,893, plus strand): 5'-CGGGGCTGTAAAGGGAGAATGGCGCATGCGCATATTCAGGGCGGAAGGCGCGCTAAGAGC[A>T]GGTACGGAGGGGGCGTGGTGCGGCGCGGAGGGGGTGTGGTAAGGGCGTGCGGTCCAGACC-3'

ClinVar aggregate classification (germline): Uncertain significance. Review status: criteria provided, single submitter (1 of 4 stars). 3 submissions from 3 submitters: Uncertain significance (1). 2 of the submissions do not count toward it. Last evaluated 2025-01-18.

Conditions:
Biotinidase deficiency. Also called: BTD deficiency; Late-onset biotin-responsive multiple carboxylase deficiency; Biotin deficiency. Identifiers: Orphanet 79241, MedGen C0220754, MONDO:0009665, OMIM 253260.

gnomAD v4.1: 1 of 1,613,890 alleles (0.000062%); highest among the groups gnomAD compares: South Asian, 0.0011%; no homozygotes.

Submissions (3):

Baylor Genetics
Classification: Uncertain significance for Biotinidase deficiency. Last evaluated: 2025-01-18. Review status: criteria provided, single submitter. Criteria: ACMG Guidelines, 2015. Collection method: clinical testing. Allele origin: unknown.
Comment: This variant, also known as NM_000060.4(BTD):c.43A>T (p.R15*), is located within the coding region of a minor isoform but is not within the coding region of the MANE isoform NM_001370658.1. The functional consequence is uncertain.

Natera, Inc.
Classification: Likely pathogenic for Biotinidase deficiency. Last evaluated: 2023-08-07. Review status: no assertion criteria provided. Collection method: clinical testing. Allele origin: germline. Not counted in ClinVar's aggregate classification.

Counsyl
Classification: Likely pathogenic for Biotinidase deficiency. Last evaluated: 2016-08-12. Review status: no assertion criteria provided. Collection method: clinical testing. Allele origin: unknown. Not counted in ClinVar's aggregate classification.